The following is an entry in ClinVar:

NM_005902.4(SMAD3):c.207-1G>A

Gene: SMAD3 (SMAD family member 3; plus strand). Cytogenetic location: 15q22.33.
Variant type: single nucleotide variant.
Coding change: c.207-1G>A on transcript NM_005902.4 (MANE Select); the canonical splice acceptor site of the intron before coding-DNA position 207, G replaced by A.
Molecular consequence: splice acceptor variant.
Genome position (GRCh38, 1-based): chr15:67,164,894, G>A. VCF-style: chr15-67164894-G-A. GRCh37 (hg19) VCF-style: chr15-67457232-G-A.
Other names: c.207-1G>A (NM_001407011.1, NM_001407013.1, NM_001407012.1); c.60-1G>A (NM_001407014.1); c.-109-1G>A (NM_001145102.2, NM_001407015.1, NM_001407016.1); c.75-1G>A (NM_001145103.2).
Identifiers: ClinVar variation 3661191 (VCV003661191.2).

ClinVar aggregate classification (germline): Pathogenic (1 of 4 stars; one submission).

Conditions:
Familial thoracic aortic aneurysm and aortic dissection (TAAD). Also called: Thoracic aortic aneurysms and dissections. Identifiers: Orphanet 91387, MedGen C4707243, MONDO:0019625.

Submission:

Labcorp Genetics (formerly Invitae), Labcorp
Classification: Pathogenic for Familial thoracic aortic aneurysm and aortic dissection. Last evaluated: 2024-08-01. Review status: criteria provided, single submitter. Criteria: Invitae Variant Classification Sherloc (09022015). Collection method: clinical testing. Allele origin: germline.
Comment: This sequence change affects an acceptor splice site in intron 1 of the SMAD3 gene. It is expected to disrupt RNA splicing. Variants that disrupt the donor or acceptor splice site typically lead to a loss of protein function (PMID: 16199547), and loss-of-function variants in SMAD3 are known to be pathogenic (PMID: 21778426, 24804794). This variant is not present in population databases (gnomAD no frequency). Disruption of this splice site has been observed in individuals with clinical features of SMAD3-related conditions (Invitae). Algorithms developed to predict the effect of sequence changes on RNA splicing suggest that this variant may disrupt the consensus splice site. For these reasons, this variant has been classified as Pathogenic.

Literature cited by the submitters: PubMed 16199547; PubMed 21778426; PubMed 24804794.